The following is an entry in ClinVar:

ClinVar aggregate classification (germline): Uncertain significance (1 of 4 stars; one submission).

Conditions:
Cystinuria (CSNU). Also called: Cystinuria, non-type I; CYSTINURIA, TYPE I; CYSTINURIA, TYPE II; CYSTINURIA, TYPE III. Identifiers: Orphanet 214, MedGen C0010691, MONDO:0009067, OMIM 220100, HP:0003131.

Submission:

Labcorp Genetics (formerly Invitae), Labcorp
Classification: Uncertain significance for Cystinuria. Last evaluated: 2022-12-25. Review status: criteria provided, single submitter. Criteria: Invitae Variant Classification Sherloc (09022015). Collection method: clinical testing. Allele origin: germline.
Comment: This sequence change replaces proline, which is neutral and non-polar, with glutamine, which is neutral and polar, at codon 508 of the SLC3A1 protein (p.Pro508Gln). This variant is not present in population databases (gnomAD no frequency). This variant has not been reported in the literature in individuals affected with SLC3A1-related conditions. Advanced modeling of protein sequence and biophysical properties (such as structural, functional, and spatial information, amino acid conservation, physicochemical variation, residue mobility, and thermodynamic stability) has been performed at Invitae for this missense variant, however the output from this modeling did not meet the statistical confidence thresholds required to predict the impact of this variant on SLC3A1 protein function. In summary, the available evidence is currently insufficient to determine the role of this variant in disease. Therefore, it has been classified as a Variant of Uncertain Significance.

NM_000341.4(SLC3A1):c.1523C>A (p.Pro508Gln)

Gene: SLC3A1 (solute carrier family 3 member 1; plus strand). Cytogenetic location: 2p21.
Variant type: single nucleotide variant.
Coding change: c.1523C>A on transcript NM_000341.4 (MANE Select); coding-DNA position 1523, C replaced by A.
Protein change: p.Pro508Gln; replaces proline 508 with glutamine.
Molecular consequence: missense variant.
Genome position (GRCh38, 1-based): chr2:44,313,857, C>A. VCF-style: chr2-44313857-C-A. GRCh37 (hg19) VCF-style: chr2-44540996-C-A.
Other names: short protein forms P508Q.
Identifiers: ClinVar variation 2782902 (VCV002782902.3), dbSNP rs1282012105, ClinGen allele CA346684797.